The following is an entry in ClinVar:

NM_000059.4(BRCA2):c.9290G>A (p.Cys3097Tyr)

Gene: BRCA2 (BRCA2 DNA repair associated; plus strand). Cytogenetic location: 13q13.1.
Variant type: single nucleotide variant.
Coding change: c.9290G>A on transcript NM_000059.4 (MANE Select); coding-DNA position 9290, G replaced by A.
Protein change: p.Cys3097Tyr; replaces cysteine 3097 with tyrosine.
Molecular consequence: missense variant.
Genome position (GRCh38, 1-based): chr13:32,394,722, G>A. VCF-style: chr13-32394722-G-A. GRCh37 (hg19) VCF-style: chr13-32968859-G-A.
Other names: p.C3097Y:TGT>TAT; short protein forms C3097Y.
Identifiers: ClinVar variation 182261 (VCV000182261.17), dbSNP rs730881570, ClinGen allele CA026090.

ClinVar aggregate classification (germline): Conflicting classifications of pathogenicity. Review status: criteria provided, conflicting classifications (1 of 4 stars). 6 submissions from 6 submitters: Uncertain significance (5); Likely benign (1). Last evaluated 2025-05-15.

Conditions:
Hereditary cancer-predisposing syndrome. Also called: Tumor predisposition; Hereditary Cancer Syndrome; Hereditary neoplastic syndrome; Neoplastic Syndromes, Hereditary. Identifiers: Orphanet 140162, MedGen C0027672, MeSH D009386, MONDO:0015356.
Hereditary breast ovarian cancer syndrome. Also called: Breast and ovarian cancer; Hereditary breast and ovarian cancer syndrome; Hereditary breast and ovarian cancer; BRCA1- and BRCA2-Associated Hereditary Breast and Ovarian Cancer; Hereditary breast and ovarian cancer syndrome (HBOC); Hereditary breast and/or ovarian cancer syndrome. Identifiers: Orphanet 145, MedGen C0677776, MeSH D061325, MONDO:0003582. Disease mechanism: loss of function.
Breast-ovarian cancer, familial, susceptibility to, 2 (BROVCA2). Also called: BRCA2 Hereditary Breast and Ovarian Cancer. Identifiers: Orphanet 145, MedGen C2675520, MONDO:0012933, OMIM 612555. Disease mechanism: loss of function.
Familial cancer of breast. Also called: BREAST CANCER, FAMILIAL; hereditary breast carcinoma; Hereditary breast cancer. Identifiers: Orphanet 227535, MedGen C0346153, MONDO:0016419, OMIM 114480. Disease mechanism: loss of function.

Submissions (6):

Ambry Genetics
Classification: Likely benign for Hereditary cancer-predisposing syndrome. Last evaluated: 2025-05-15. Review status: criteria provided, single submitter. Criteria: Ambry Variant Classification Scheme 2023. Collection method: clinical testing. Allele origin: germline.

Labcorp Genetics (formerly Invitae), Labcorp
Classification: Uncertain significance for Hereditary breast ovarian cancer syndrome. Last evaluated: 2024-05-31. Review status: criteria provided, single submitter. Criteria: Invitae Variant Classification Sherloc (09022015). Collection method: clinical testing. Allele origin: germline.
Comment: This sequence change replaces cysteine, which is neutral and slightly polar, with tyrosine, which is neutral and polar, at codon 3097 of the BRCA2 protein (p.Cys3097Tyr). This variant is not present in population databases (gnomAD no frequency). This variant has not been reported in the literature in individuals affected with BRCA2-related conditions. ClinVar contains an entry for this variant (Variation ID: 182261). Advanced modeling of protein sequence and biophysical properties (such as structural, functional, and spatial information, amino acid conservation, physicochemical variation, residue mobility, and thermodynamic stability) performed at Invitae indicates that this missense variant is not expected to disrupt BRCA2 protein function with a negative predictive value of 95%. In summary, the available evidence is currently insufficient to determine the role of this variant in disease. Therefore, it has been classified as a Variant of Uncertain Significance.

MGZ Medical Genetics Center
Classification: Uncertain significance for Familial cancer of breast. Last evaluated: 2024-02-09. Review status: criteria provided, single submitter. Criteria: CSpec BRCA1/2ACMG Rules Specifications V1.1.0. Collection method: clinical testing. Allele origin: germline. Affected: yes.
Comment: ACMG codes applied following ENIGMA VCEP rules: BP4, PM2_SUP

Baylor Genetics
Classification: Uncertain significance for Familial cancer of breast. Last evaluated: 2023-10-17. Review status: criteria provided, single submitter. Criteria: ACMG Guidelines, 2015. Collection method: clinical testing. Allele origin: unknown.

All of Us Research Program, National Institutes of Health
Classification: Uncertain significance for Breast-ovarian cancer, familial, susceptibility to, 2. Last evaluated: 2023-03-04. Review status: criteria provided, single submitter. Criteria: ACMG Guidelines, 2015. Collection method: clinical testing. Allele origin: germline. Inheritance: Autosomal dominant inheritance. Observed: 1 variant allele, 1 heterozygote.
Comment: This missense variant replaces cysteine with tyrosine at codon 3097 of the BRCA2 protein. Computational prediction is inconclusive regarding the impact of this variant on protein structure and function (internally defined REVEL score threshold 0.5 < inconclusive < 0.7, PMID: 27666373). To our knowledge, functional studies have not been reported for this variant. This variant has not been reported in individuals affected with hereditary cancer in the literature. This variant has not been identified in the general population by the Genome Aggregation Database (gnomAD). The available evidence is insufficient to determine the role of this variant in disease conclusively. Therefore, this variant is classified as a Variant of Uncertain Significance.

This study involves interpretation of variants in research participants for the purpose of population health screening. Participant phenotype was not available at the time of variant classification. Additional details can be found in publication PMID: 35346344, PMCID: PMC8962531

GeneDx
Classification: Uncertain significance. Last evaluated: 2014-09-09. Review status: criteria provided, single submitter. Criteria: GeneDx Variant Classification (06012015). Collection method: clinical testing. Allele origin: germline. Affected: yes.
Comment: This variant is denoted BRCA2 c.9290G>A at the cDNA level, p.Cys3097Tyr (C3097Y) at the protein level, and results in the change of a Cysteine to a Tyrosine (TGT>TAT). This variant has not, to our knowledge, been published in the literature as pathogenic or benign. BRCA2 Cys3097Tyr was not observed in approximately 6,500 individuals of European and African American ancestry in the NHLBI Exome Sequencing Project, indicating it is not a common benign variant in these populations. Since Cysteine and Tyrosine differ in polarity, charge, size or other properties, this is considered a non-conservative amino acid substitution. BRCA2 Cys3097Tyr occurs at a position that is moderately conserved through mammals and is located in the DNA-binding domain (Borg 2010). In silico analyses predict that this variant is unlikely to alter protein structure or function. Based on currently available information, it is unclear whether BRCA2 Cys3097Tyr is pathogenic or benign. We consider it to be a variant of uncertain significance.